The following is an entry in ClinVar:

NM_015915.5(ATL1):c.1204T>C (p.Phe402Leu)

Gene: ATL1 (atlastin GTPase 1; plus strand). Cytogenetic location: 14q22.1.
Variant type: single nucleotide variant.
Coding change: c.1204T>C on transcript NM_015915.5 (MANE Select); coding-DNA position 1204, T replaced by C.
Protein change: p.Phe402Leu; replaces phenylalanine 402 with leucine.
Molecular consequence: missense variant.
Genome position (GRCh38, 1-based): chr14:50,628,115, T>C. VCF-style: chr14-50628115-T-C. GRCh37 (hg19) VCF-style: chr14-51094833-T-C.
Other names: c.1204T>C, p.Phe402Leu (NM_001127713.1, NM_181598.4); short protein forms F402L.
Identifiers: ClinVar variation 452665 (VCV000452665.5), dbSNP rs1555365850, ClinGen allele CA389675711.

ClinVar aggregate classification (germline): Pathogenic/Likely pathogenic. Review status: criteria provided, multiple submitters, no conflicts (2 of 4 stars). 3 submissions from 3 submitters: Pathogenic (1); Likely pathogenic (2). Last evaluated 2025-04-14.

Conditions:
Hereditary spastic paraplegia 3A (SPG3A). Also called: Spastic Paraplegia 3A; Spastic paraplegia 3A, autosomal dominant; SPASTIC PARAPLEGIA 3, AUTOSOMAL DOMINANT; FAMILIAL SPASTIC PARAPLEGIA, AUTOSOMAL DOMINANT, 1; SPG3; STRUMPELL DISEASE. Identifiers: Orphanet 100984, MedGen C2931355, MONDO:0008437, OMIM 182600.

Submissions (3):

Labcorp Genetics (formerly Invitae), Labcorp
Classification: Likely pathogenic for Hereditary spastic paraplegia 3A. Last evaluated: 2025-04-14. Review status: criteria provided, single submitter. Criteria: Invitae Variant Classification Sherloc (09022015). Collection method: clinical testing. Allele origin: germline.
Comment: This sequence change replaces phenylalanine, which is neutral and non-polar, with leucine, which is neutral and non-polar, at codon 402 of the ATL1 protein (p.Phe402Leu). This variant is not present in population databases (gnomAD no frequency). This missense change has been observed in individual(s) with clinical features of ATL1-related conditions (PMID: 33057194; internal data). In at least one individual the variant was observed to be de novo. ClinVar contains an entry for this variant (Variation ID: 452665). Invitae Evidence Modeling of protein sequence and biophysical properties (such as structural, functional, and spatial information, amino acid conservation, physicochemical variation, residue mobility, and thermodynamic stability) has been performed for this missense variant. However, the output from this modeling did not meet the statistical confidence thresholds required to predict the impact of this variant on ATL1 protein function. In summary, the currently available evidence indicates that the variant is pathogenic, but additional data are needed to prove that conclusively. Therefore, this variant has been classified as Likely Pathogenic.

Mendelics
Classification: Likely pathogenic for Hereditary spastic paraplegia 3A. Last evaluated: 2022-05-04. Review status: criteria provided, single submitter. Criteria: Mendelics Assertion Criteria 2019. Collection method: clinical testing. Allele origin: germline.

GeneDx
Classification: Pathogenic. Last evaluated: 2017-10-23. Review status: criteria provided, single submitter. Criteria: GeneDx Variant Classification (06012015). Collection method: clinical testing. Allele origin: germline. Affected: yes.
Comment: The F402L variant in the ATL1 gene has not been reported previously as a pathogenic variant, nor as a benign variant, to our knowledge. The variant is not observed in large population cohorts (Lek et al., 2016). The variant is a conservative amino acid substitution, which is not likely to impact secondary protein structure as these residues share similar properties. This substitution occurs at a position that is conserved across species. In silico analysis predicts this variant is probably damaging to the protein structure/function. Missense variants in nearby residues (S398Y, S398F, and L401P) have been reported in the Human Gene Mutation Database in association with ALT1-related disorders (Stenson et al., 2014), supporting the functional importance of this region of the protein. We interpret F402L as a pathogenic variant.

Literature cited by the submitters: PubMed 33057194 (cited by Labcorp Genetics (formerly Invitae), Labcorp).